The following is an entry in ClinVar:

NM_001081.4(CUBN):c.3362G>A (p.Gly1121Glu)

Gene: CUBN (cubilin; minus strand). Cytogenetic location: 10p13.
Variant type: single nucleotide variant.
Coding change: c.3362G>A on transcript NM_001081.4 (MANE Select); coding-DNA position 3362, G replaced by A.
Protein change: p.Gly1121Glu; replaces glycine 1121 with glutamic acid.
Molecular consequence: missense variant.
Genome position (GRCh38, 1-based): chr10:17,046,062, C>T on the plus strand (G>A on the coding strand, the complement: CUBN is on the minus strand). VCF-style: chr10-17046062-C-T. GRCh37 (hg19) VCF-style: chr10-17088061-C-T.
Other names: short protein forms G1121E.
Identifiers: ClinVar variation 4745079 (VCV004745079.1).

ClinVar aggregate classification (germline): Uncertain significance (1 of 4 stars; one submission).

Conditions:
Imerslund-Grasbeck syndrome. Also called: PERNICIOUS ANEMIA, JUVENILE, DUE TO SELECTIVE INTESTINAL MALABSORPTION OF VITAMIN B12, WITH PROTEINURIA; ENTEROCYTE COBALAMIN MALABSORPTION; ENTEROCYTE INTRINSIC FACTOR RECEPTOR, DEFECT OF; Megaloblastic anemia due to inborn errors of metabolism; Imerslund-Gräsbeck syndrome. Identifiers: Orphanet 35858, MedGen C4551825, MONDO:0009853.

Submission:

Labcorp Genetics (formerly Invitae), Labcorp
Classification: Uncertain significance for Imerslund-Grasbeck syndrome. Last evaluated: 2026-01-07. Review status: criteria provided, single submitter. Criteria: Invitae Variant Classification Sherloc (09022015). Collection method: clinical testing. Allele origin: germline.
Comment: This sequence change replaces glycine, which is neutral and non-polar, with glutamic acid, which is acidic and polar, at codon 1121 of the CUBN protein (p.Gly1121Glu). This variant is not present in population databases (gnomAD no frequency). This variant has not been reported in the literature in individuals affected with CUBN-related conditions. Invitae Evidence Modeling of protein sequence and biophysical properties (such as structural, functional, and spatial information, amino acid conservation, physicochemical variation, residue mobility, and thermodynamic stability) indicates that this missense variant is expected to disrupt CUBN protein function with a positive predictive value of 80%. In summary, the available evidence is currently insufficient to determine the role of this variant in disease. Therefore, it has been classified as a Variant of Uncertain Significance.